The following is an entry in ClinVar:

NM_018136.5(ASPM):c.2004C>T (p.Thr668=)

Gene: ASPM (assembly factor for spindle microtubules; minus strand). Cytogenetic location: 1q31.3.
Variant type: single nucleotide variant.
Coding change: c.2004C>T on transcript NM_018136.5 (MANE Select); coding-DNA position 2004, C replaced by T.
Protein change: p.Thr668=; no amino-acid change (threonine 668 retained).
Molecular consequence: synonymous variant.
Genome position (GRCh38, 1-based): chr1:197,139,789, G>A on the plus strand (C>T on the coding strand, the complement: ASPM is on the minus strand). VCF-style: chr1-197139789-G-A. GRCh37 (hg19) VCF-style: chr1-197108919-G-A.
Other names: c.2004C>T, p.Thr668= (NM_001206846.2).
Identifiers: ClinVar variation 726173 (VCV000726173.10), dbSNP rs377625262, ClinGen allele CA1310598.
Genomic context (GRCh38, chr1:197,139,789, plus strand): 5'-TCATGTTTTCAGAGAGTTTAAGTATAATAAATACTTGCCTGTTTTTAATGGTTTTATGAA[G>A]GTCAAACTGGACTGTGCCACAGCGATAATGGGTTTTGTCCTTTTGTTTGTTTTAGAAATT-3'
Protein context (NP_060606.3, residues 658-678): PIIAVAQSSL[Thr668=]FIKPLKTDIP

ClinVar aggregate classification (germline): Likely benign. Review status: criteria provided, single submitter (1 of 4 stars). 2 submissions from 2 submitters: Likely benign (1). 1 of the submissions does not count toward it. Last evaluated 2025-09-24.

Conditions:
ASPM-related disorder. Also called: ASPM-related condition.

Allele frequency attached by ClinVar (database versions not stated): ExAC 0.00007; gnomAD exomes 0.00008 and 0.00013; gnomAD 0.00010; ESP Exome Variant Server 0.00015; TOPMed 0.00015.
gnomAD v4.1: 206 of 1,609,516 alleles (0.013%); highest among the groups gnomAD compares: Non-Finnish European, 0.015%; no homozygotes.

Submissions (2):

Labcorp Genetics (formerly Invitae), Labcorp
Classification: Likely benign. Last evaluated: 2025-09-24. Review status: criteria provided, single submitter. Criteria: Invitae Variant Classification Sherloc (09022015). Collection method: clinical testing. Allele origin: germline.

PreventionGenetics, part of Exact Sciences
Classification: Likely benign for ASPM-related condition. Last evaluated: 2024-05-08. Review status: no assertion criteria provided. Collection method: clinical testing. Allele origin: germline. Not counted in ClinVar's aggregate classification.
Comment: This variant is classified as likely benign based on ACMG/AMP sequence variant interpretation guidelines (Richards et al. 2015 PMID: 25741868, with internal and published modifications).